The following is an entry in ClinVar:

ClinVar aggregate classification (germline): Uncertain significance. Review status: criteria provided, multiple submitters, no conflicts (2 of 4 stars). 2 submissions from 2 submitters: Uncertain significance (2). Last evaluated 2025-09-21.

Conditions:
Hereditary cancer-predisposing syndrome. Also called: Hereditary Cancer Syndrome; Hereditary neoplastic syndrome; Tumor predisposition; Neoplastic Syndromes, Hereditary. Identifiers: Orphanet 140162, MedGen C0027672, MeSH D009386, MONDO:0015356.
Multiple endocrine neoplasia, type 2 (MEN2). Identifiers: Orphanet 653, MedGen C4048306, MONDO:0019003. Disease mechanism: gain of function.

Submissions (2):

Labcorp Genetics (formerly Invitae), Labcorp
Classification: Uncertain significance for Multiple endocrine neoplasia, type 2. Last evaluated: 2025-09-21. Review status: criteria provided, single submitter. Criteria: Invitae Variant Classification Sherloc (09022015). Collection method: clinical testing. Allele origin: germline.
Comment: This sequence change replaces valine, which is neutral and non-polar, with alanine, which is neutral and non-polar, at codon 804 of the RET protein (p.Val804Ala). This variant is not present in population databases (gnomAD no frequency). This variant has not been reported in the literature in individuals affected with RET-related conditions. ClinVar contains an entry for this variant (Variation ID: 1962568). An algorithm developed to predict the effect of missense changes on protein structure and function (PolyPhen-2) suggests that this variant is likely to be disruptive. This variant disrupts the p.Val804 amino acid residue in RET. Other variant(s) that disrupt this residue have been determined to be pathogenic (PMID: 8797874, 9452077, 10876191, 25501606). This suggests that this residue is clinically significant, and that variants that disrupt this residue are likely to be disease-causing. In summary, the available evidence is currently insufficient to determine the role of this variant in disease. Therefore, it has been classified as a Variant of Uncertain Significance.

Ambry Genetics
Classification: Uncertain significance for Hereditary cancer-predisposing syndrome. Last evaluated: 2025-08-04. Review status: criteria provided, single submitter. Criteria: Ambry Variant Classification Scheme 2023. Collection method: clinical testing. Allele origin: germline.
Comment: The p.V804A variant (also known as c.2411T>C), located in coding exon 14 of the RET gene, results from a T to C substitution at nucleotide position 2411. The valine at codon 804 is replaced by alanine, an amino acid with similar properties. Two other alterations at this position, p.V804M and p.V804L, have been designated as moderate risk mutations by the ATA (Wells SA et al. Thyroid. 2015 Jun;25:567-610). While this alteration has been classified as likely pathogenic in the literature, it has not been described in an individual with MEN2-related disease (Toledo RA et al. Endocr Relat Cancer. 2015 Feb;22:65-76; Margraf RL et al. Hum Mutat. 2022 Dec;43:1780-1794; Ambry internal data). This amino acid position is highly conserved in available vertebrate species. In addition, this alteration is predicted to be deleterious by in silico analysis. Since supporting evidence is limited at this time, the clinical significance of this alteration remains unclear.

Literature cited by the submitters: PubMed 8797874 (cited by Labcorp Genetics (formerly Invitae), Labcorp); PubMed 9452077 (cited by Labcorp Genetics (formerly Invitae), Labcorp); PubMed 10876191 (cited by Labcorp Genetics (formerly Invitae), Labcorp); PubMed 25501606 (cited by Labcorp Genetics (formerly Invitae), Labcorp); PubMed 25425582 (cited by Ambry Genetics); PubMed 25810047 (cited by Ambry Genetics); PubMed 36251279 (cited by Ambry Genetics).

NM_020975.6(RET):c.2411T>C (p.Val804Ala)

Gene: RET (ret proto-oncogene; plus strand). Cytogenetic location: 10q11.21.
Variant type: single nucleotide variant.
Coding change: c.2411T>C on transcript NM_020975.6 (MANE Select); coding-DNA position 2411, T replaced by C.
Protein change: p.Val804Ala; replaces valine 804 with alanine.
Molecular consequence: missense variant.
Genome position (GRCh38, 1-based): chr10:43,119,549, T>C. VCF-style: chr10-43119549-T-C. GRCh37 (hg19) VCF-style: chr10-43614997-T-C.
Other names: c.2411T>C, p.Val804Ala (NM_000323.2, NM_001406743.1, NM_001406744.1 and 4 more transcripts); c.1649T>C, p.Val550Ala (NM_001355216.2); c.2282T>C, p.Val761Ala (NM_001406761.1, NM_001406762.1, NM_001406764.1); c.2276T>C, p.Val759Ala (NM_001406763.1, NM_001406765.1); c.2123T>C, p.Val708Ala (NM_001406766.1, NM_001406767.1, NM_001406770.1); c.2147T>C, p.Val716Ala (NM_001406768.1); c.2015T>C, p.Val672Ala (NM_001406769.1, NM_001406772.1); c.1973T>C, p.Val658Ala (NM_001406771.1, NM_001406773.1); and 10 more; short protein forms V804A, V550A, V672A, V759A, V321A, V409A, V474A, V505A.
Identifiers: ClinVar variation 1962568 (VCV001962568.8), dbSNP rs1554819520, ClinGen allele CA376556048.